The following is an entry in ClinVar:

NM_000288.4(PEX7):c.116A>G (p.His39Arg)

Gene: PEX7 (peroxisomal biogenesis factor 7; plus strand). Cytogenetic location: 6q23.3.
Variant type: single nucleotide variant.
Coding change: c.116A>G on transcript NM_000288.4 (MANE Select); coding-DNA position 116, A replaced by G.
Protein change: p.His39Arg; replaces histidine 39 with arginine.
Molecular consequence: missense variant.
Genome position (GRCh38, 1-based): chr6:136,822,781, A>G. VCF-style: chr6-136822781-A-G. GRCh37 (hg19) VCF-style: chr6-137143919-A-G.
Other names: short protein forms H39R.
Identifiers: ClinVar variation 942407 (VCV000942407.9), dbSNP rs61753237, ClinGen allele CA365855424.

ClinVar aggregate classification (germline): Uncertain significance (1 of 4 stars; one submission).

Conditions:
Peroxisome biogenesis disorder 9B. Also called: PEX7-Related Refsum Disease; PEROXISOME BIOGENESIS DISORDER, PEX7-RELATED, ATYPICAL; Refsum disease, adult, 2. Identifiers: Orphanet 773, MedGen C2749346, MONDO:0013945, OMIM 614879.

Submission:

Labcorp Genetics (formerly Invitae), Labcorp
Classification: Uncertain significance for Peroxisome biogenesis disorder 9B. Last evaluated: 2020-02-23. Review status: criteria provided, single submitter. Criteria: Invitae Variant Classification Sherloc (09022015). Collection method: clinical testing. Allele origin: germline.
Comment: The frequency data for this variant in the population databases is considered unreliable, as metrics indicate insufficient coverage at this position in the ExAC database. This variant has not been reported in the literature in individuals with PEX7-related conditions. Algorithms developed to predict the effect of missense changes on protein structure and function (SIFT, PolyPhen-2, Align-GVGD) all suggest that this variant is likely to be tolerated, but these predictions have not been confirmed by published functional studies and their clinical significance is uncertain. In summary, the available evidence is currently insufficient to determine the role of this variant in disease. Therefore, it has been classified as a Variant of Uncertain Significance. This sequence change replaces histidine with arginine at codon 39 of the PEX7 protein (p.His39Arg). The histidine residue is moderately conserved and there is a small physicochemical difference between histidine and arginine.